The following is an entry in ClinVar:

NM_000090.4(COL3A1):c.531C>A (p.Gly177=)

Gene: COL3A1 (collagen type III alpha 1 chain; plus strand). Cytogenetic location: 2q32.2.
Variant type: single nucleotide variant.
Coding change: c.531C>A on transcript NM_000090.4 (MANE Select); coding-DNA position 531, C replaced by A.
Protein change: p.Gly177=; no amino-acid change (glycine 177 retained).
Molecular consequence: synonymous variant.
Genome position (GRCh38, 1-based): chr2:188,988,083, C>A. VCF-style: chr2-188988083-C-A. GRCh37 (hg19) VCF-style: chr2-189852809-C-A.
Identifiers: ClinVar variation 263640 (VCV000263640.18), dbSNP rs41272797, ClinGen allele CA076688.

ClinVar aggregate classification (germline): Benign/Likely benign. Review status: criteria provided, multiple submitters, no conflicts (2 of 4 stars). 5 submissions from 5 submitters: Benign (1); Likely benign (4). Last evaluated 2025-10-08.

Conditions:
Familial thoracic aortic aneurysm and aortic dissection (TAAD). Also called: Thoracic aortic aneurysms and dissections. Identifiers: Orphanet 91387, MedGen C4707243, MONDO:0019625.
Ehlers-Danlos syndrome, type 4 (EDSVASC). Also called: Ehlers-Danlos syndrome vascular type; Ehlers Danlos syndrome, ecchymotic type; Ehlers Danlos syndrome, arterial type; Ehlers Danlos syndrome, Sack-Barabas type; Ehlers-Danlos Syndrome Type IV. Identifiers: Orphanet 286, MedGen C0268338, MONDO:0017314, OMIM 130050.

Allele frequency attached by ClinVar (database versions not stated): gnomAD 0.00001; ExAC 0.00002; gnomAD exomes 0.00002; TOPMed 0.00002.
gnomAD v4.1: 10 of 1,608,308 alleles (0.00062%); highest among the groups gnomAD compares: Admixed American, 0.013%; no homozygotes.

Submissions (5):

Labcorp Genetics (formerly Invitae), Labcorp
Classification: Likely benign for Ehlers-Danlos syndrome, type 4. Last evaluated: 2025-10-08. Review status: criteria provided, single submitter. Criteria: Invitae Variant Classification Sherloc (09022015). Collection method: clinical testing. Allele origin: germline.

All of Us Research Program, National Institutes of Health
Classification: Likely benign for Ehlers-Danlos syndrome, type 4. Last evaluated: 2023-12-01. Review status: criteria provided, single submitter. Criteria: ACMG Guidelines, 2015. Collection method: clinical testing. Allele origin: germline. Inheritance: Autosomal dominant inheritance. Observed: 4 variant alleles, 4 heterozygotes.
Comment: This study involves interpretation of variants in research participants for the purpose of population health screening. Participant phenotype was not available at the time of variant classification. Additional details can be found in publication PMID: 35346344, PMCID: PMC8962531

Color Diagnostics, LLC DBA Color Health
Classification: Likely benign for Familial thoracic aortic aneurysm and aortic dissection. Last evaluated: 2022-09-23. Review status: criteria provided, single submitter. Criteria: ACMG Guidelines, 2015. Collection method: clinical testing. Allele origin: germline.

Ambry Genetics
Classification: Benign for Familial thoracic aortic aneurysm and aortic dissection. Last evaluated: 2022-01-06. Review status: criteria provided, single submitter. Criteria: Ambry Variant Classification Scheme 2023. Collection method: clinical testing. Allele origin: germline.

GeneDx
Classification: Likely benign. Last evaluated: 2021-05-07. Review status: criteria provided, single submitter. Criteria: GeneDx Variant Classification Process June 2021. Collection method: clinical testing. Allele origin: germline. Affected: yes.